The following is an entry in ClinVar:

NM_018263.6(ASXL2):c.1471C>T (p.Gln491Ter)

Gene: ASXL2 (ASXL transcriptional regulator 2; minus strand). Cytogenetic location: 2p23.3.
Variant type: single nucleotide variant.
Coding change: c.1471C>T on transcript NM_018263.6 (MANE Select); coding-DNA position 1471, C replaced by T.
Protein change: p.Gln491Ter; replaces glutamine 491 with a stop codon.
Molecular consequence: nonsense.
Genome position (GRCh38, 1-based): chr2:25,750,085, G>A on the plus strand (C>T on the coding strand, the complement: ASXL2 is on the minus strand). VCF-style: chr2-25750085-G-A. GRCh37 (hg19) VCF-style: chr2-25972954-G-A.
Other names: c.1297C>T, p.Gln433Ter (NM_001369346.1); c.691C>T, p.Gln231Ter (NM_001369347.1); short protein forms Q231*, Q433*, Q491*.
Identifiers: ClinVar variation 3366969 (VCV003366969.1).

ClinVar aggregate classification (germline): Likely pathogenic (1 of 4 stars; one submission).

Conditions:
Shashi-Pena syndrome (SHAPNS). Identifiers: Orphanet 689408, MedGen C4310672, MONDO:0014963, OMIM 617190.

Submission:

Institute of Immunology and Genetics Kaiserslautern
Classification: Likely pathogenic for Shashi-Pena syndrome. Last evaluated: 2023-08-29. Review status: criteria provided, single submitter. Criteria: ACMG Guidelines, 2015. Collection method: clinical testing. Allele origin: germline. Affected: yes.
Comment: ACMG Criteria: PVS1, PM2; Variant found in a heterozygous state